The following is an entry in ClinVar:

NM_032816.5(CEP89):c.1853A>G (p.Glu618Gly)

Gene: CEP89 (centrosomal protein 89; minus strand). Cytogenetic location: 19q13.11.
Variant type: single nucleotide variant.
Coding change: c.1853A>G on transcript NM_032816.5 (MANE Select); coding-DNA position 1853, A replaced by G.
Protein change: p.Glu618Gly; replaces glutamic acid 618 with glycine.
Molecular consequence: missense variant.
Genome position (GRCh38, 1-based): chr19:32,899,879, T>C on the plus strand (A>G on the coding strand, the complement: CEP89 is on the minus strand). VCF-style: chr19-32899879-T-C. GRCh37 (hg19) VCF-style: chr19-33390785-T-C.
Other names: short protein forms E618G.
Identifiers: ClinVar variation 1903517 (VCV001903517.5), dbSNP rs761384121, ClinGen allele CA9359157.

ClinVar aggregate classification (germline): Uncertain significance (1 of 4 stars; one submission).

Allele frequency attached by ClinVar (database versions not stated): ExAC 0.00001; gnomAD exomes 0.00001; TOPMed 0.00001.
gnomAD v4.1: 17 of 1,614,018 alleles (0.0011%); highest among the groups gnomAD compares: Middle Eastern, 0.12%; no homozygotes.

Submission:

Labcorp Genetics (formerly Invitae), Labcorp
Classification: Uncertain significance. Last evaluated: 2025-09-20. Review status: criteria provided, single submitter. Criteria: Invitae Variant Classification Sherloc (09022015). Collection method: clinical testing. Allele origin: germline.
Comment: This sequence change replaces glutamic acid, which is acidic and polar, with glycine, which is neutral and non-polar, at codon 618 of the CEP89 protein (p.Glu618Gly). This variant is present in population databases (rs761384121, gnomAD 0.003%). This variant has not been reported in the literature in individuals affected with CEP89-related conditions. ClinVar contains an entry for this variant (Variation ID: 1903517). An algorithm developed to predict the effect of missense changes on protein structure and function (PolyPhen-2) suggests that this variant is likely to be disruptive. In summary, the available evidence is currently insufficient to determine the role of this variant in disease. Therefore, it has been classified as a Variant of Uncertain Significance.